The following is an entry in ClinVar:

ClinVar aggregate classification (germline): Uncertain significance (1 of 4 stars; one submission).

Allele frequency attached by ClinVar (database versions not stated): gnomAD 0.00004 and 0.00005; TOPMed 0.00005.
gnomAD v4.1: 16 of 1,610,058 alleles (0.00099%); highest among the groups gnomAD compares: African/African-American, 0.02%; no homozygotes.

Submission:

Labcorp Genetics (formerly Invitae), Labcorp
Classification: Uncertain significance. Last evaluated: 2022-09-27. Review status: criteria provided, single submitter. Criteria: Invitae Variant Classification Sherloc (09022015). Collection method: clinical testing. Allele origin: germline.
Comment: This sequence change replaces valine, which is neutral and non-polar, with methionine, which is neutral and non-polar, at codon 629 of the MPDZ protein (p.Val629Met). The frequency data for this variant in the population databases is considered unreliable, as metrics indicate poor data quality at this position in the gnomAD database. This variant has not been reported in the literature in individuals affected with MPDZ-related conditions. ClinVar contains an entry for this variant (Variation ID: 1479895). Algorithms developed to predict the effect of missense changes on protein structure and function are either unavailable or do not agree on the potential impact of this missense change (SIFT: "Deleterious"; PolyPhen-2: "Probably Damaging"; Align-GVGD: "Class C15"). In summary, the available evidence is currently insufficient to determine the role of this variant in disease. Therefore, it has been classified as a Variant of Uncertain Significance.

NM_001378778.1(MPDZ):c.1885G>A (p.Val629Met)

Gene: MPDZ (multiple PDZ domain crumbs cell polarity complex component; minus strand). Cytogenetic location: 9p23.
Variant type: single nucleotide variant.
Coding change: c.1885G>A on transcript NM_001378778.1 (MANE Select); coding-DNA position 1885, G replaced by A.
Protein change: p.Val629Met; replaces valine 629 with methionine.
Molecular consequence: missense variant.
Genome position (GRCh38, 1-based): chr9:13,192,214, C>T on the plus strand (G>A on the coding strand, the complement: MPDZ is on the minus strand). VCF-style: chr9-13192214-C-T. GRCh37 (hg19) VCF-style: chr9-13192213-C-T.
Other names: c.1885G>A, p.Val629Met (NM_001261406.2, NM_001261407.2, NM_001330637.2 and 14 more transcripts); short protein forms V629M.
Identifiers: ClinVar variation 1479895 (VCV001479895.5), dbSNP rs1028926986, ClinGen allele CA189287706.